The following is an entry in ClinVar:

ClinVar aggregate classification (germline): Likely benign. Review status: criteria provided, multiple submitters, no conflicts (2 of 4 stars). 3 submissions from 3 submitters: Likely benign (2). 1 of the submissions does not count toward it. Last evaluated 2025-12-15.

Conditions:
PC-related disorder. Also called: PC-related condition.
Pyruvate carboxylase deficiency. Also called: ATAXIA WITH LACTIC ACIDOSIS II; Pyruvate Carboxylase Deficiency Disease; LEIGH NECROTIZING ENCEPHALOPATHY DUE TO PYRUVATE CARBOXYLASE DEFICIENCY; LEIGH SYNDROME DUE TO PYRUVATE CARBOXYLASE DEFICIENCY; PC DEFICIENCY. Identifiers: Orphanet 3008, MedGen C0034341, MONDO:0009949, OMIM 266150.

Allele frequency attached by ClinVar (database versions not stated): TOPMed 0.00004; gnomAD 0.00005.
gnomAD v4.1: 42 of 1,613,884 alleles (0.0026%); highest among the groups gnomAD compares: African/African-American, 0.025%; no homozygotes.

Submissions (3):

Labcorp Genetics (formerly Invitae), Labcorp
Classification: Likely benign for Pyruvate carboxylase deficiency. Last evaluated: 2025-12-15. Review status: criteria provided, single submitter. Criteria: Invitae Variant Classification Sherloc (09022015). Collection method: clinical testing. Allele origin: germline.

Blueprint Genetics
Classification: Likely benign. Last evaluated: 2024-09-17. Review status: criteria provided, single submitter. Criteria: ACMG Guidelines, 2015. Collection method: clinical testing. Allele origin: germline.

PreventionGenetics, part of Exact Sciences
Classification: Likely benign for PC-related condition. Last evaluated: 2019-07-30. Review status: no assertion criteria provided. Collection method: clinical testing. Allele origin: germline. Not counted in ClinVar's aggregate classification.
Comment: This variant is classified as likely benign based on ACMG/AMP sequence variant interpretation guidelines (Richards et al. 2015 PMID: 25741868, with internal and published modifications).

NM_001040716.2(PC):c.537G>A (p.Glu179=)

Gene: PC (pyruvate carboxylase; minus strand). Cytogenetic location: 11q13.2.
Variant type: single nucleotide variant.
Coding change: c.537G>A on transcript NM_001040716.2 (MANE Select); coding-DNA position 537, G replaced by A.
Protein change: p.Glu179=; no amino-acid change (glutamic acid 179 retained).
Molecular consequence: synonymous variant.
Genome position (GRCh38, 1-based): chr11:66,871,148, C>T on the plus strand (G>A on the coding strand, the complement: PC is on the minus strand). VCF-style: chr11-66871148-C-T. GRCh37 (hg19) VCF-style: chr11-66638619-C-T.
Other names: c.537G>A, p.Glu179= (NM_000920.4, NM_022172.3); c.537G>A (NM_001040716.1).
Identifiers: ClinVar variation 2078416 (VCV002078416.7), dbSNP rs112719219, ClinGen allele CA224094975.